The following is an entry in ClinVar:

NM_002016.2(FLG):c.8845C>A (p.Gln2949Lys)

Genes: CCDST (cervical cancer associated DHX9 suppressive transcript; plus strand), FLG (filaggrin; minus strand). Cytogenetic location: 1q21.3.
Variant type: single nucleotide variant.
Coding change: c.8845C>A on transcript NM_002016.2 (MANE Select); coding-DNA position 8845, C replaced by A.
Protein change: p.Gln2949Lys; replaces glutamine 2949 with lysine.
Molecular consequence: missense variant.
Genome position (GRCh38, 1-based): chr1:152,306,041, G>T on the plus strand (C>A on the coding strand, the complement: FLG is on the minus strand). VCF-style: chr1-152306041-G-T. GRCh37 (hg19) VCF-style: chr1-152278517-G-T.
Other names: short protein forms Q2949K.
Identifiers: ClinVar variation 2252971 (VCV002252971.26), dbSNP rs571468136, ClinGen allele CA1104000.

ClinVar aggregate classification (germline): Conflicting classifications of pathogenicity. Review status: criteria provided, conflicting classifications (1 of 4 stars). 2 submissions from 2 submitters: Uncertain significance (1); Likely benign (1). Last evaluated 2025-06-07.

Conditions:
Inborn genetic diseases. Identifiers: MedGen C0950123, MeSH D030342.

Allele frequency attached by ClinVar (database versions not stated): gnomAD 0.00007; ExAC 0.00010; 1000 Genomes Project 0.00060; 1000 Genomes Project 30x 0.00062.

Submissions (2):

Ambry Genetics
Classification: Uncertain significance for Inborn genetic diseases. Last evaluated: 2025-06-07. Review status: criteria provided, single submitter. Criteria: Ambry Variant Classification Scheme 2023. Collection method: clinical testing. Allele origin: germline.

CeGaT Center for Human Genetics Tuebingen
Classification: Likely benign. Last evaluated: 2022-06-01. Review status: criteria provided, single submitter. Criteria: CeGaT Center For Human Genetics Tuebingen Variant Classification Criteria Version 2. Collection method: clinical testing. Allele origin: germline. Affected: yes. Observed: 1 variant allele.
Comment: FLG: BP4